The following is an entry in ClinVar:

ClinVar aggregate classification (germline): Likely benign (0 of 4 stars; one submission).

Conditions:
ITPKC-related disorder. Also called: ITPKC-related condition.

Allele frequency attached by ClinVar (database versions not stated): gnomAD exomes 0.00014; ExAC 0.00042; 1000 Genomes Project 0.00100; 1000 Genomes Project 30x 0.00125; gnomAD 0.00136; TOPMed 0.00156; ESP Exome Variant Server 0.00177.
gnomAD v4.1: 420 of 1,614,186 alleles (0.026%); highest among the groups gnomAD compares: African/African-American, 0.51%; no homozygotes.

Submission:

PreventionGenetics, part of Exact Sciences
Classification: Likely benign for ITPKC-related condition. Last evaluated: 2020-02-26. Review status: no assertion criteria provided. Collection method: clinical testing. Allele origin: germline.
Comment: This variant is classified as likely benign based on ACMG/AMP sequence variant interpretation guidelines (Richards et al. 2015 PMID: 25741868, with internal and published modifications).

NM_025194.3(ITPKC):c.427G>A (p.Asp143Asn)

Gene: ITPKC (inositol-trisphosphate 3-kinase C; plus strand). Cytogenetic location: 19q13.2.
Variant type: single nucleotide variant.
Coding change: c.427G>A on transcript NM_025194.3 (MANE Select); coding-DNA position 427, G replaced by A.
Protein change: p.Asp143Asn; replaces aspartic acid 143 with asparagine.
Molecular consequence: missense variant.
Genome position (GRCh38, 1-based): chr19:40,717,562, G>A. VCF-style: chr19-40717562-G-A. GRCh37 (hg19) VCF-style: chr19-41223467-G-A.
Other names: c.427G>A, p.Asp143Asn (NM_001411098.1); short protein forms D143N.
Identifiers: ClinVar variation 3037831 (VCV003037831.2), dbSNP rs145479132, ClinGen allele CA9450647.